The following is an entry in ClinVar:

NM_001256071.3(RNF213):c.8485C>T (p.Gln2829Ter)

Gene: RNF213 (ring finger protein 213; plus strand). Cytogenetic location: 17q25.3.
Variant type: single nucleotide variant.
Coding change: c.8485C>T on transcript NM_001256071.3 (MANE Select); coding-DNA position 8485, C replaced by T.
Protein change: p.Gln2829Ter; replaces glutamine 2829 with a stop codon.
Molecular consequence: nonsense.
Genome position (GRCh38, 1-based): chr17:80,346,820, C>T. VCF-style: chr17-80346820-C-T. GRCh37 (hg19) VCF-style: chr17-78320620-C-T.
Other names: c.8632C>T, p.Gln2878Ter (NM_001410195.1, NM_020914.5); short protein forms Q2829*, Q2878*.
Identifiers: ClinVar variation 3393705 (VCV003393705.1).
Genomic context (GRCh38, chr17:80,346,820, plus strand): 5'-TGCAGCCCGCACTCCACCCCACAGGGCATCATCAGCACCTTCCGGCAGTGCGCCCGCTTT[C>T]AGCAGGGGAAGGACCTGCAGCAGTACGTCTCTGTGGTGGTGTTAGATGAGGTGGGGCTGG-3'

ClinVar aggregate classification (germline): Uncertain significance (1 of 4 stars; one submission).

gnomAD v4.1: 3 of 1,614,158 alleles (0.00019%); highest among the groups gnomAD compares: Non-Finnish European, 0.00017%; no homozygotes.

Submission:

GeneDx
Classification: Uncertain significance. Last evaluated: 2024-07-03. Review status: criteria provided, single submitter. Criteria: GeneDx Variant Classification Process June 2021. Collection method: clinical testing. Allele origin: germline. Affected: yes.
Comment: Nonsense variant predicted to result in protein truncation or nonsense mediated decay in a gene or region of a gene for which loss of function is not a well-established mechanism of disease; Has not been previously published as pathogenic or benign to our knowledge